The following is an entry in ClinVar:

NM_014908.4(DOLK):c.914C>G (p.Ser305Cys)

Gene: DOLK (dolichol kinase; minus strand). Cytogenetic location: 9q34.11.
Variant type: single nucleotide variant.
Coding change: c.914C>G on transcript NM_014908.4 (MANE Select); coding-DNA position 914, C replaced by G.
Protein change: p.Ser305Cys; replaces serine 305 with cysteine.
Molecular consequence: missense variant.
Genome position (GRCh38, 1-based): chr9:128,946,390, G>C on the plus strand (C>G on the coding strand, the complement: DOLK is on the minus strand). VCF-style: chr9-128946390-G-C. GRCh37 (hg19) VCF-style: chr9-131708669-G-C.
Other names: short protein forms S305C.
Identifiers: ClinVar variation 656997 (VCV000656997.11), dbSNP rs766759178, ClinGen allele CA5271664.

ClinVar aggregate classification (germline): Uncertain significance. Review status: criteria provided, multiple submitters, no conflicts (2 of 4 stars). 4 submissions from 4 submitters: Uncertain significance (4). Last evaluated 2023-08-11.

Conditions:
DK1-congenital disorder of glycosylation. Also called: DOLK-congenital disorder of glycosylation; Carbohydrate deficient glycoprotein syndrome type 1m; DK1 DEFICIENCY; DOLICHOL KINASE DEFICIENCY; DK1-CDG; CONGENITAL DISORDER OF GLYCOSYLATION, TYPE Im. Identifiers: Orphanet 91131, MedGen C1835849, MONDO:0012556, OMIM 610768.
Cardiovascular phenotype. Identifiers: MedGen CN230736.

Allele frequency attached by ClinVar (database versions not stated): gnomAD exomes 0.00001 and 0.00008; ExAC 0.00001; TOPMed 0.00002; gnomAD 0.00004.

Submissions (4):

Ambry Genetics
Classification: Uncertain significance for Cardiovascular phenotype. Last evaluated: 2023-08-11. Review status: criteria provided, single submitter. Criteria: Ambry Variant Classification Scheme 2023. Collection method: clinical testing. Allele origin: germline.
Comment: The p.S305C variant (also known as c.914C>G), located in coding exon 1 of the DOLK gene, results from a C to G substitution at nucleotide position 914. The serine at codon 305 is replaced by cysteine, an amino acid with dissimilar properties. This amino acid position is not well conserved in available vertebrate species. In addition, this alteration is predicted to be tolerated by in silico analysis. Since supporting evidence is limited at this time, the clinical significance of this alteration remains unclear.

Labcorp Genetics (formerly Invitae), Labcorp
Classification: Uncertain significance for DK1-congenital disorder of glycosylation. Last evaluated: 2022-07-29. Review status: criteria provided, single submitter. Criteria: Invitae Variant Classification Sherloc (09022015). Collection method: clinical testing. Allele origin: germline.
Comment: This sequence change replaces serine, which is neutral and polar, with cysteine, which is neutral and slightly polar, at codon 305 of the DOLK protein (p.Ser305Cys). This variant is present in population databases (rs766759178, gnomAD 0.003%). This variant has not been reported in the literature in individuals affected with DOLK-related conditions. ClinVar contains an entry for this variant (Variation ID: 656997). Algorithms developed to predict the effect of missense changes on protein structure and function output the following: SIFT: "Tolerated"; PolyPhen-2: "Benign"; Align-GVGD: "Class C15". The cysteine amino acid residue is found in multiple mammalian species, which suggests that this missense change does not adversely affect protein function. In summary, the available evidence is currently insufficient to determine the role of this variant in disease. Therefore, it has been classified as a Variant of Uncertain Significance.

Fulgent Genetics
Classification: Uncertain significance for DK1-congenital disorder of glycosylation. Last evaluated: 2022-03-18. Review status: criteria provided, single submitter. Criteria: ACMG Guidelines, 2015. Collection method: clinical testing. Allele origin: unknown.

Breakthrough Genomics
Classification: Uncertain significance. Review status: criteria provided, single submitter. Criteria: ACMG Guidelines, 2015. Collection method: not provided. Allele origin: germline. Inheritance: Autosomal recessive inheritance. Affected: yes.